The following is an entry in ClinVar:

NM_203486.3(DLL3):c.1583T>C (p.Leu528Ser)

Genes: DLL3 (delta like canonical Notch ligand 3; plus strand), LOC130064419 (ATAC-STARR-seq lymphoblastoid silent region 10610; plus strand). Cytogenetic location: 19q13.2.
Variant type: single nucleotide variant.
Coding change: c.1583T>C on transcript NM_203486.3 (MANE Select); coding-DNA position 1583, T replaced by C.
Protein change: p.Leu528Ser; replaces leucine 528 with serine.
Molecular consequence: missense variant.
Genome position (GRCh38, 1-based): chr19:39,507,528, T>C. VCF-style: chr19-39507528-T-C. GRCh37 (hg19) VCF-style: chr19-39998168-T-C.
Other names: c.1583T>C, p.Leu528Ser (NM_016941.4); short protein forms L528S.
Identifiers: ClinVar variation 1479867 (VCV001479867.8), dbSNP rs1489251161, ClinGen allele CA405789526.

ClinVar aggregate classification (germline): Uncertain significance (1 of 4 stars; one submission).

Allele frequency attached by ClinVar (database versions not stated): gnomAD exomes 0.00001.
gnomAD v4.1: 4 of 1,605,080 alleles (0.00025%); highest among the groups gnomAD compares: Non-Finnish European, 0.00034%; no homozygotes.

Submission:

Labcorp Genetics (formerly Invitae), Labcorp
Classification: Uncertain significance. Last evaluated: 2022-02-05. Review status: criteria provided, single submitter. Criteria: Invitae Variant Classification Sherloc (09022015). Collection method: clinical testing. Allele origin: germline.
Comment: This sequence change replaces leucine, which is neutral and non-polar, with serine, which is neutral and polar, at codon 528 of the DLL3 protein (p.Leu528Ser). In summary, the available evidence is currently insufficient to determine the role of this variant in disease. Therefore, it has been classified as a Variant of Uncertain Significance. Algorithms developed to predict the effect of missense changes on protein structure and function are either unavailable or do not agree on the potential impact of this missense change (SIFT: "Tolerated"; PolyPhen-2: "Probably Damaging"; Align-GVGD: "Class C0"). This variant has not been reported in the literature in individuals affected with DLL3-related conditions. This variant is not present in population databases (gnomAD no frequency).